The following is an entry in ClinVar:

NC_000002.11:g.(?_50280399)_(50464118_?)del

Gene: NRXN1 (neurexin 1; minus strand). Cytogenetic location: 2p16.3.
Variant type: Deletion.
Identifiers: ClinVar variation 3247384 (VCV003247384.1).

ClinVar aggregate classification (germline): Pathogenic (1 of 4 stars; one submission).

Conditions:
Pitt-Hopkins-like syndrome 2 (PTHSL2). Identifiers: Orphanet 221150, Orphanet 600663, MedGen C3280479, MONDO:0013690, OMIM 614325.

Submission:

Labcorp Genetics (formerly Invitae), Labcorp
Classification: Pathogenic for Pitt-Hopkins-like syndrome 2. Last evaluated: 2023-08-14. Review status: criteria provided, single submitter. Criteria: Invitae Variant Classification Sherloc (09022015). Collection method: clinical testing. Allele origin: unknown.
Comment: For these reasons, this variant has been classified as Pathogenic. A similar copy number variant has been observed in individual(s) with NRXN1-related conditions (PMID: 23472757). This variant is a gross deletion of the genomic region encompassing exon(s) 19-22 of the NRXN1 gene. This deletion is out-of-frame, and is expected to create a premature termination codon and result in an absent or disrupted protein product. Loss-of-function variants in NRXN1 are known to be pathogenic (PMID: 19896112, 21964664, 23495017, 23533028, 25149956, 30031152).

Literature cited by the submitters: PubMed 23472757; PubMed 19896112; PubMed 21964664; PubMed 23495017; PubMed 23533028; PubMed 25149956; PubMed 30031152.